The following is an entry in ClinVar:

NM_000322.5(PRPH2):c.589A>G (p.Lys197Glu)

Gene: PRPH2 (peripherin 2; minus strand). Cytogenetic location: 6p21.1.
Variant type: single nucleotide variant.
Coding change: c.589A>G on transcript NM_000322.5 (MANE Select); coding-DNA position 589, A replaced by G.
Protein change: p.Lys197Glu; replaces lysine 197 with glutamic acid.
Molecular consequence: missense variant.
Genome position (GRCh38, 1-based): chr6:42,704,604, T>C on the plus strand (A>G on the coding strand, the complement: PRPH2 is on the minus strand). VCF-style: chr6-42704604-T-C. GRCh37 (hg19) VCF-style: chr6-42672342-T-C.
Other names: short protein forms K197E.
Identifiers: ClinVar variation 98681 (VCV000098681.10), dbSNP rs62645931, ClinGen allele CA226259.

ClinVar aggregate classification (germline): Pathogenic/Likely pathogenic. Review status: criteria provided, multiple submitters, no conflicts (2 of 4 stars). 6 submissions from 6 submitters: Pathogenic (2); Likely pathogenic (2). 2 of the submissions do not count toward it. Last evaluated 2023-10-01.

Conditions:
PRPH2-related disorder. Also called: PRPH2-related condition; PRPH2-related disorders. Identifiers: MedGen CN239395.
Retinal dystrophy. Also called: Inherited retinal dystrophy. Identifiers: Orphanet 71862, MedGen C0854723, MeSH D058499, MONDO:0019118, HP:0000556.

Submissions (6):

Dept Of Ophthalmology, Nagoya University
Classification: Likely pathogenic for Retinal dystrophy. Last evaluated: 2023-10-01. Review status: criteria provided, single submitter. Criteria: Submitter's publication. Collection method: research. Allele origin: germline. Affected: yes.

Labcorp Genetics (formerly Invitae), Labcorp
Classification: Pathogenic for PRPH2-related disorder. Last evaluated: 2023-09-23. Review status: criteria provided, single submitter. Criteria: Invitae Variant Classification Sherloc (09022015). Collection method: clinical testing. Allele origin: germline.
Comment: This sequence change replaces lysine, which is basic and polar, with glutamic acid, which is acidic and polar, at codon 197 of the PRPH2 protein (p.Lys197Glu). This variant is not present in population databases (gnomAD no frequency). This missense change has been observed in individuals with clinical features of autosomal dominant retinitis pigmentosa (PMID: 9279751, 18310263, 26496393). It has also been observed to segregate with disease in related individuals. ClinVar contains an entry for this variant (Variation ID: 98681). Advanced modeling of protein sequence and biophysical properties (such as structural, functional, and spatial information, amino acid conservation, physicochemical variation, residue mobility, and thermodynamic stability) has been performed at Invitae for this missense variant, however the output from this modeling did not meet the statistical confidence thresholds required to predict the impact of this variant on PRPH2 protein function. For these reasons, this variant has been classified as Pathogenic.

Institute of Medical Genetics and Applied Genomics, University Hospital Tübingen
Classification: Likely pathogenic. Last evaluated: 2020-10-23. Review status: criteria provided, single submitter. Criteria: ACMG Guidelines, 2015. Collection method: clinical testing. Allele origin: germline. Inheritance: Autosomal unknown. Affected: yes.

Institute of Human Genetics, Univ. Regensburg, Univ. Regensburg
Classification: Pathogenic for Retinal dystrophy. Last evaluated: 2006-01-01. Review status: criteria provided, single submitter. Criteria: ACMG Guidelines, 2015. Collection method: clinical testing. Allele origin: germline. Affected: yes.

Leiden Open Variation Database
Classification: Likely pathogenic. Last evaluated: 2021-06-19. Review status: no assertion criteria provided. Collection method: curation. Allele origin: germline. Affected: yes. Not counted in ClinVar's aggregate classification.
Comment: Curator: Global Variome, with Curator vacancy. Submitters to LOVD: LOVD, Manon Peeters, Yoshito Koyanagi.

Retina International
No classification provided. Review status: no classification provided. Collection method: not provided. Allele origin: not provided. Not counted in ClinVar's aggregate classification.

Literature cited by the submitters: PubMed 9279751 (cited by 3 submitters); PubMed 18310263 (cited by Labcorp Genetics (formerly Invitae), Labcorp and Leiden Open Variation Database); PubMed 26496393 (cited by Labcorp Genetics (formerly Invitae), Labcorp and Leiden Open Variation Database); PubMed 31213501 (cited by Institute of Human Genetics, Univ. Regensburg, Univ. Regensburg and Leiden Open Variation Database); PubMed 34828423 (cited by Institute of Human Genetics, Univ. Regensburg, Univ. Regensburg); PubMed 34411390 (cited by Institute of Human Genetics, Univ. Regensburg, Univ. Regensburg); PubMed 26957898 (cited by Leiden Open Variation Database).